The following is an entry in ClinVar:

NM_002454.3(MTRR):c.829C>A (p.Pro277Thr)

Gene: MTRR (5-methyltetrahydrofolate-homocysteine methyltransferase reductase; plus strand). Cytogenetic location: 5p15.31.
Variant type: single nucleotide variant.
Coding change: c.829C>A on transcript NM_002454.3 (MANE Select); coding-DNA position 829, C replaced by A.
Protein change: p.Pro277Thr; replaces proline 277 with threonine.
Molecular consequence: missense variant. On other transcripts: non-coding transcript variant (14).
Genome position (GRCh38, 1-based): chr5:7,883,203, C>A. VCF-style: chr5-7883203-C-A. GRCh37 (hg19) VCF-style: chr5-7883316-C-A.
Other names: c.829C>A, p.Pro277Thr (NM_001364440.2, NM_001364441.2, NM_001364442.2 and 1 more transcripts); short protein forms P277T.
Identifiers: ClinVar variation 2109645 (VCV002109645.4), dbSNP rs2478890069, ClinGen allele CA359157570.

ClinVar aggregate classification (germline): Uncertain significance (1 of 4 stars; one submission).

Conditions:
Methylcobalamin deficiency type cblE (HMAE). Also called: HOMOCYSTINURIA-MEGALOBLASTIC ANEMIA, cblE TYPE; VITAMIN B12-RESPONSIVE HOMOCYSTINURIA, cblE TYPE; HOMOCYSTINURIA-MEGALOBLASTIC ANEMIA, cblE COMPLEMENTATION TYPE. Identifiers: Orphanet 2169, Orphanet 622, MedGen C1856057, MONDO:0009354, OMIM 236270.

Submission:

Labcorp Genetics (formerly Invitae), Labcorp
Classification: Uncertain significance for Methylcobalamin deficiency type cblE. Last evaluated: 2022-03-12. Review status: criteria provided, single submitter. Criteria: Invitae Variant Classification Sherloc (09022015). Collection method: clinical testing. Allele origin: germline.
Comment: This variant is not present in population databases (gnomAD no frequency). This variant has not been reported in the literature in individuals affected with MTRR-related conditions. Algorithms developed to predict the effect of missense changes on protein structure and function are either unavailable or do not agree on the potential impact of this missense change (SIFT: "Tolerated"; PolyPhen-2: "Probably Damaging"; Align-GVGD: "Class C0"). In summary, the available evidence is currently insufficient to determine the role of this variant in disease. Therefore, it has been classified as a Variant of Uncertain Significance. This sequence change replaces proline, which is neutral and non-polar, with threonine, which is neutral and polar, at codon 277 of the MTRR protein (p.Pro277Thr).